The following is an entry in ClinVar:

ClinVar aggregate classification (germline): Uncertain significance (1 of 4 stars; one submission).

Submission:

Labcorp Genetics (formerly Invitae), Labcorp
Classification: Uncertain significance. Last evaluated: 2022-11-22. Review status: criteria provided, single submitter. Criteria: Invitae Variant Classification Sherloc (09022015). Collection method: clinical testing. Allele origin: germline.
Comment: In summary, the available evidence is currently insufficient to determine the role of this variant in disease. Therefore, it has been classified as a Variant of Uncertain Significance. Algorithms developed to predict the effect of missense changes on protein structure and function are either unavailable or do not agree on the potential impact of this missense change (SIFT: "Deleterious"; PolyPhen-2: "Probably Damaging"; Align-GVGD: "Class C0"). This variant has not been reported in the literature in individuals affected with RINT1-related conditions. This variant is not present in population databases (gnomAD no frequency). This sequence change replaces leucine, which is neutral and non-polar, with arginine, which is basic and polar, at codon 397 of the RINT1 protein (p.Leu397Arg).

NM_021930.6(RINT1):c.1190T>G (p.Leu397Arg)

Gene: RINT1 (RAD50 interactor 1; plus strand). Cytogenetic location: 7q22.3.
Variant type: single nucleotide variant.
Coding change: c.1190T>G on transcript NM_021930.6 (MANE Select); coding-DNA position 1190, T replaced by G.
Protein change: p.Leu397Arg; replaces leucine 397 with arginine.
Molecular consequence: missense variant. On other transcripts: non-coding transcript variant (1).
Genome position (GRCh38, 1-based): chr7:105,550,343, T>G. VCF-style: chr7-105550343-T-G. GRCh37 (hg19) VCF-style: chr7-105190790-T-G.
Other names: c.956T>G, p.Leu319Arg (NM_001346599.2); c.167T>G, p.Leu56Arg (NM_001346600.2, NM_001346603.2); c.266T>G, p.Leu89Arg (NM_001346601.2); short protein forms L319R, L56R, L397R, L89R.
Identifiers: ClinVar variation 2002786 (VCV002002786.4), dbSNP rs2485133090, ClinGen allele CA368809112.